The following is an entry in ClinVar:

NM_001365088.1(SLC12A6):c.1427A>G (p.Tyr476Cys)

Gene: SLC12A6 (solute carrier family 12 member 6; minus strand). Cytogenetic location: 15q14.
Variant type: single nucleotide variant.
Coding change: c.1427A>G on transcript NM_001365088.1 (MANE Select); coding-DNA position 1427, A replaced by G.
Protein change: p.Tyr476Cys; replaces tyrosine 476 with cysteine.
Molecular consequence: missense variant.
Genome position (GRCh38, 1-based): chr15:34,250,964, T>C on the plus strand (A>G on the coding strand, the complement: SLC12A6 is on the minus strand). VCF-style: chr15-34250964-T-C. GRCh37 (hg19) VCF-style: chr15-34543165-T-C.
Other names: c.1250A>G, p.Tyr417Cys (NM_001042494.2, NM_001042495.2); c.1400A>G, p.Tyr467Cys (NM_001042496.2); c.1382A>G, p.Tyr461Cys (NM_001042497.2); c.1274A>G, p.Tyr425Cys (NM_005135.2); c.1427A>G, p.Tyr476Cys (NM_133647.2); short protein forms Y461C, Y425C, Y417C, Y467C, Y476C.
Identifiers: ClinVar variation 3714074 (VCV003714074.2).

ClinVar aggregate classification (germline): Uncertain significance (1 of 4 stars; one submission).

gnomAD v4.1: 7 of 1,612,000 alleles (0.00043%); highest among the groups gnomAD compares: Non-Finnish European, 0.00042%; no homozygotes.

Submission:

Labcorp Genetics (formerly Invitae), Labcorp
Classification: Uncertain significance. Last evaluated: 2024-03-27. Review status: criteria provided, single submitter. Criteria: Invitae Variant Classification Sherloc (09022015). Collection method: clinical testing. Allele origin: germline.
Comment: This sequence change replaces tyrosine, which is neutral and polar, with cysteine, which is neutral and slightly polar, at codon 476 of the SLC12A6 protein (p.Tyr476Cys). This variant is not present in population databases (gnomAD no frequency). This variant has not been reported in the literature in individuals affected with SLC12A6-related conditions. Advanced modeling of protein sequence and biophysical properties (such as structural, functional, and spatial information, amino acid conservation, physicochemical variation, residue mobility, and thermodynamic stability) has been performed at Invitae for this missense variant, however the output from this modeling did not meet the statistical confidence thresholds required to predict the impact of this variant on SLC12A6 protein function. In summary, the available evidence is currently insufficient to determine the role of this variant in disease. Therefore, it has been classified as a Variant of Uncertain Significance.